The following is an entry in ClinVar:

Conditions:
Long QT syndrome 5 (LQT5). Identifiers: Orphanet 101016, Orphanet 768, MedGen C1867904, MONDO:0013372, OMIM 613695.

Submission:

Roden Lab, Vanderbilt University Medical Center
No classification provided (evidence only). Condition: Long QT syndrome 5. Review status: no classification provided. Collection method: in vitro. Allele origin: not applicable. Functional consequence: Effect on ion channel function.
ClinVar note: "not provided" was previously submitted as the classification for the variant. However, the classification appeared to be based only on an observation of functional data so it was converted to no classification on 2025-07-30.

NM_000219.6(KCNE1):c.96C>G (p.Arg32=)

Gene: KCNE1 (potassium voltage-gated channel subfamily E regulatory subunit 1; minus strand). Cytogenetic location: 21q22.12.
Variant type: single nucleotide variant.
Coding change: c.96C>G on transcript NM_000219.6 (MANE Select); coding-DNA position 96, C replaced by G.
Protein change: p.Arg32=; no amino-acid change (arginine 32 retained).
Molecular consequence: synonymous variant.
Genome position (GRCh38, 1-based): chr21:34,449,539, G>C on the plus strand (C>G on the coding strand, the complement: KCNE1 is on the minus strand). VCF-style: chr21-34449539-G-C. GRCh37 (hg19) VCF-style: chr21-35821837-G-C.
Other names: c.96C>G, p.Arg32= (NM_001127668.4, NM_001127669.4, NM_001127670.4 and 4 more transcripts).
Identifiers: ClinVar variation 3374037 (VCV003374037.2).